The following is an entry in ClinVar:

NM_006516.4(SLC2A1):c.1259T>C (p.Met420Thr)

Gene: SLC2A1 (solute carrier family 2 member 1; minus strand). Cytogenetic location: 1p34.2.
Variant type: single nucleotide variant.
Coding change: c.1259T>C on transcript NM_006516.4 (MANE Select); coding-DNA position 1259, T replaced by C.
Protein change: p.Met420Thr; replaces methionine 420 with threonine.
Molecular consequence: missense variant.
Genome position (GRCh38, 1-based): chr1:42,927,624, A>G on the plus strand (T>C on the coding strand, the complement: SLC2A1 is on the minus strand). VCF-style: chr1-42927624-A-G. GRCh37 (hg19) VCF-style: chr1-43393295-A-G.
Other names: short protein forms M420T.
Identifiers: ClinVar variation 1491716 (VCV001491716.7), dbSNP rs2124446220, ClinGen allele CA339953646.

ClinVar aggregate classification (germline): Pathogenic/Likely pathogenic. Review status: criteria provided, multiple submitters, no conflicts (2 of 4 stars). 2 submissions from 2 submitters: Pathogenic (1); Likely pathogenic (1). Last evaluated 2024-08-29.

Conditions:
GLUT1 deficiency syndrome 1, autosomal recessive. Identifiers: MedGen C3149117.
Seizure. Also called: Seizures. Identifiers: MedGen C0036572, HP:0001250.

Submissions (2):

Cytogénomique, Hospices Civils de Lyon
Classification: Likely pathogenic for Seizure. Last evaluated: 2024-08-29. Review status: criteria provided, single submitter. Criteria: ACMG Guidelines, 2015. Collection method: clinical testing. Allele origin: de novo. Affected: yes.

Labcorp Genetics (formerly Invitae), Labcorp
Classification: Pathogenic for GLUT1 deficiency syndrome 1, autosomal recessive. Last evaluated: 2024-06-05. Review status: criteria provided, single submitter. Criteria: Invitae Variant Classification Sherloc (09022015). Collection method: clinical testing. Allele origin: germline.
Comment: This sequence change replaces methionine, which is neutral and non-polar, with threonine, which is neutral and polar, at codon 420 of the SLC2A1 protein (p.Met420Thr). This variant is not present in population databases (gnomAD no frequency). This missense change has been observed in individual(s) with clinical features of GLUT1 deficiency syndrome (Invitae). In at least one individual the variant was observed to be de novo. ClinVar contains an entry for this variant (Variation ID: 1491716). Advanced modeling of protein sequence and biophysical properties (such as structural, functional, and spatial information, amino acid conservation, physicochemical variation, residue mobility, and thermodynamic stability) has been performed at Invitae for this missense variant, however the output from this modeling did not meet the statistical confidence thresholds required to predict the impact of this variant on SLC2A1 protein function. This variant disrupts the p.Met420 amino acid residue in SLC2A1. Other variant(s) that disrupt this residue have been determined to be pathogenic (Invitae). This suggests that this residue is clinically significant, and that variants that disrupt this residue are likely to be disease-causing. For these reasons, this variant has been classified as Pathogenic.